The following is an entry in ClinVar:

NM_033026.6(PCLO):c.4890T>A (p.His1630Gln)

Gene: PCLO (piccolo presynaptic cytomatrix protein; minus strand). Cytogenetic location: 7q21.11.
Variant type: single nucleotide variant.
Coding change: c.4890T>A on transcript NM_033026.6 (MANE Select); coding-DNA position 4890, T replaced by A.
Protein change: p.His1630Gln; replaces histidine 1630 with glutamine.
Molecular consequence: missense variant.
Genome position (GRCh38, 1-based): chr7:82,956,063, A>T on the plus strand (T>A on the coding strand, the complement: PCLO is on the minus strand). VCF-style: chr7-82956063-A-T. GRCh37 (hg19) VCF-style: chr7-82585379-A-T.
Other names: c.4890T>A, p.His1630Gln (NM_014510.3); c.4890T>A (NM_033026.5); short protein forms H1630Q.
Identifiers: ClinVar variation 1512919 (VCV001512919.5), dbSNP rs1351524869, ClinGen allele CA367925746.

ClinVar aggregate classification (germline): Uncertain significance. Review status: criteria provided, multiple submitters, no conflicts (2 of 4 stars). 2 submissions from 2 submitters: Uncertain significance (2). Last evaluated 2025-05-19.

Conditions:
Inborn genetic diseases. Identifiers: MedGen C0950123, MeSH D030342.

gnomAD v4.1: 2 of 1,612,600 alleles (0.00012%); highest among the groups gnomAD compares: Non-Finnish European, 0.00017%; no homozygotes.

Submissions (2):

Ambry Genetics
Classification: Uncertain significance for Inborn genetic diseases. Last evaluated: 2025-05-19. Review status: criteria provided, single submitter. Criteria: Ambry Variant Classification Scheme 2023. Collection method: clinical testing. Allele origin: germline.

Labcorp Genetics (formerly Invitae), Labcorp
Classification: Uncertain significance. Last evaluated: 2021-10-29. Review status: criteria provided, single submitter. Criteria: Invitae Variant Classification Sherloc (09022015). Collection method: clinical testing. Allele origin: germline.
Comment: This variant is not present in population databases (gnomAD no frequency). In summary, the available evidence is currently insufficient to determine the role of this variant in disease. Therefore, it has been classified as a Variant of Uncertain Significance. Algorithms developed to predict the effect of missense changes on protein structure and function are either unavailable or do not agree on the potential impact of this missense change (SIFT: "Deleterious"; PolyPhen-2: "Not Available"; Align-GVGD: "Class C0"). This variant has not been reported in the literature in individuals affected with PCLO-related conditions. This sequence change replaces histidine, which is basic and polar, with glutamine, which is neutral and polar, at codon 1630 of the PCLO protein (p.His1630Gln).